The following is an entry in ClinVar:

NM_002074.5(GNB1):c.668C>G (p.Thr223Ser)

Gene: GNB1 (G protein subunit beta 1; minus strand). Cytogenetic location: 1p36.33.
Variant type: single nucleotide variant.
Coding change: c.668C>G on transcript NM_002074.5 (MANE Select); coding-DNA position 668, C replaced by G.
Protein change: p.Thr223Ser; replaces threonine 223 with serine.
Molecular consequence: missense variant.
Genome position (GRCh38, 1-based): chr1:1,790,426, G>C on the plus strand (C>G on the coding strand, the complement: GNB1 is on the minus strand). VCF-style: chr1-1790426-G-C. GRCh37 (hg19) VCF-style: chr1-1721865-G-C.
Other names: c.368C>G, p.Thr123Ser (NM_001282538.2); c.668C>G, p.Thr223Ser (NM_001282539.2); short protein forms T123S, T223S.
Identifiers: ClinVar variation 3665618 (VCV003665618.2).

ClinVar aggregate classification (germline): Uncertain significance (1 of 4 stars; one submission).

gnomAD v4.1: 2 of 1,614,010 alleles (0.00012%); highest among the groups gnomAD compares: Non-Finnish European, 0.00017%; no homozygotes.

Submission:

Labcorp Genetics (formerly Invitae), Labcorp
Classification: Uncertain significance. Last evaluated: 2024-11-28. Review status: criteria provided, single submitter. Criteria: Invitae Variant Classification Sherloc (09022015). Collection method: clinical testing. Allele origin: germline.
Comment: This sequence change replaces threonine, which is neutral and polar, with serine, which is neutral and polar, at codon 223 of the GNB1 protein (p.Thr223Ser). This variant is not present in population databases (gnomAD no frequency). This variant has not been reported in the literature in individuals affected with GNB1-related conditions. Invitae Evidence Modeling of protein sequence and biophysical properties (such as structural, functional, and spatial information, amino acid conservation, physicochemical variation, residue mobility, and thermodynamic stability) indicates that this missense variant is not expected to disrupt GNB1 protein function with a negative predictive value of 80%. In summary, the available evidence is currently insufficient to determine the role of this variant in disease. Therefore, it has been classified as a Variant of Uncertain Significance.